The following is an entry in ClinVar:

ClinVar aggregate classification (germline): Conflicting classifications of pathogenicity. Review status: criteria provided, conflicting classifications (1 of 4 stars). 2 submissions from 2 submitters: Likely pathogenic (1); Uncertain significance (1). Last evaluated 2022-08-10.

Conditions:
Heterotopia, periventricular, X-linked dominant (PVNH1). Also called: PERIVENTRICULAR NODULAR HETEROTOPIA 1; X-linked periventricular heterotopia; PERIVENTRICULAR NODULAR HETEROTOPIA 4; HETEROTOPIA, PERIVENTRICULAR, 1. Identifiers: Orphanet 2149, Orphanet 82004, MedGen C1848213, MONDO:0010233, OMIM 300049.
Oto-palato-digital syndrome, type II (OPD2). Also called: OPD II SYNDROME; Otopalatodigital Syndrome, Type II; Otopalatodigital Syndrome Type 2 (FLNA-OPD2); FACIOPALATOOSSEOUS SYNDROME. Identifiers: Orphanet 669, Orphanet 90652, MedGen C1844696, MONDO:0010571, OMIM 304120.
Melnick-Needles syndrome (MNS). Also called: MELNICK-NEEDLES OSTEODYSPLASTY; OSTEODYSPLASTY OF MELNICK AND NEEDLES; Melnick-Needles Syndrome (FLNA-MNS). Identifiers: Orphanet 2484, MedGen C0025237, MONDO:0010650, OMIM 309350.
Frontometaphyseal dysplasia (FMD1). Identifiers: Orphanet 1826, MedGen C0265293, MONDO:0015942.

Submissions (2):

Labcorp Genetics (formerly Invitae), Labcorp
Classification: Likely pathogenic for Oto-palato-digital syndrome, type II; Heterotopia, periventricular, X-linked dominant; Frontometaphyseal dysplasia; Melnick-Needles syndrome. Last evaluated: 2022-08-10. Review status: criteria provided, single submitter. Criteria: Invitae Variant Classification Sherloc (09022015). Collection method: clinical testing. Allele origin: germline.
Comment: In summary, the currently available evidence indicates that the variant is pathogenic, but additional data are needed to prove that conclusively. Therefore, this variant has been classified as Likely Pathogenic. Advanced modeling of protein sequence and biophysical properties (such as structural, functional, and spatial information, amino acid conservation, physicochemical variation, residue mobility, and thermodynamic stability) performed at Invitae indicates that this missense variant is expected to disrupt FLNA protein function. ClinVar contains an entry for this variant (Variation ID: 1333776). This missense change has been observed in individual(s) with periventricular nodular heterotopia (Invitae). This variant is not present in population databases (gnomAD no frequency). This sequence change replaces leucine, which is neutral and non-polar, with phenylalanine, which is neutral and non-polar, at codon 140 of the FLNA protein (p.Leu140Phe).

CENTOGENE GmbH and LLC - Guiding Precision Medicine
Classification: Uncertain significance for Heterotopia, periventricular, X-linked dominant. Last evaluated: 2019-11-06. Review status: criteria provided, single submitter. Criteria: ACMG Guidelines, 2015. Collection method: clinical testing. Allele origin: germline. Affected: yes.

NM_001110556.2(FLNA):c.418C>T (p.Leu140Phe)

Gene: FLNA (filamin A; minus strand). Cytogenetic location: Xq28.
Variant type: single nucleotide variant.
Coding change: c.418C>T on transcript NM_001110556.2 (MANE Select); coding-DNA position 418, C replaced by T.
Protein change: p.Leu140Phe; replaces leucine 140 with phenylalanine.
Molecular consequence: missense variant.
Genome position (GRCh38, 1-based): chrX:154,368,046, G>A on the plus strand (C>T on the coding strand, the complement: FLNA is on the minus strand). VCF-style: chrX-154368046-G-A. GRCh37 (hg19) VCF-style: chrX-153596414-G-A.
Other names: c.418C>T, p.Leu140Phe (NM_001456.4); short protein forms L140F.
Identifiers: ClinVar variation 1333776 (VCV001333776.6), dbSNP rs2148119483, ClinGen allele CA415250818.
Genomic context (GRCh38, chrX:154,368,046, plus strand): 5'-CCTCCTCCTCGTCCCACATGGGCATGGAGATGGAGTAGTGCAGGATCAGGGTCCAGATGA[G>A]GCCCAGGATCAGCTTCAGGTTCCCGTCCACGATGGCCTTGCTGTCTGTGAGTAGAAGAGT-3'
Protein context (NP_001104026.1, residues 130-150): VDGNLKLILG[Leu140Phe]IWTLILHYSI